The following is an entry in ClinVar:

ClinVar aggregate classification (germline): Pathogenic (1 of 4 stars; one submission).

Submission:

Labcorp Genetics (formerly Invitae), Labcorp
Classification: Pathogenic. Last evaluated: 2023-01-28. Review status: criteria provided, single submitter. Criteria: Invitae Variant Classification Sherloc (09022015). Collection method: clinical testing. Allele origin: germline.
Comment: This variant is not present in population databases (gnomAD no frequency). This variant has not been reported in the literature in individuals affected with SPTA1-related conditions. For these reasons, this variant has been classified as Pathogenic. This sequence change creates a premature translational stop signal (p.Glu685*) in the SPTA1 gene. It is expected to result in an absent or disrupted protein product. Loss-of-function variants in SPTA1 are known to be pathogenic (PMID: 9192783, 18815189, 31333484, 31723846, 32266426).

Literature cited by the submitters: PubMed 9192783; PubMed 18815189; PubMed 31333484; PubMed 31723846; PubMed 32266426.

NM_003126.4(SPTA1):c.2053G>T (p.Glu685Ter)

Gene: SPTA1 (spectrin alpha, erythrocytic 1; minus strand). Cytogenetic location: 1q23.1.
Variant type: single nucleotide variant.
Coding change: c.2053G>T on transcript NM_003126.4 (MANE Select); coding-DNA position 2053, G replaced by T.
Protein change: p.Glu685Ter; replaces glutamic acid 685 with a stop codon.
Molecular consequence: nonsense.
Genome position (GRCh38, 1-based): chr1:158,666,483, C>A on the plus strand (G>T on the coding strand, the complement: SPTA1 is on the minus strand). VCF-style: chr1-158666483-C-A. GRCh37 (hg19) VCF-style: chr1-158636273-C-A.
Other names: short protein forms E685*.
Identifiers: ClinVar variation 2832711 (VCV002832711.3), dbSNP rs1653612721, ClinGen allele CA343004193.
Genomic context (GRCh38, chr1:158,666,483, plus strand): 5'-CCTCCAGCCAGCGCTGCAAATCTTCTGCATTATTTTCAAATTGCAGCTGCTGGTTGGCCT[C>A]ATGCAACTGGGTCCCTGGGAGAAGACATAAGGTAGAAGACATTAGGTACCATAACTATTC-3'